The following is an entry in ClinVar:

NM_138387.4(G6PC3):c.144C>G (p.Tyr48Ter)

Genes: G6PC3 (glucose-6-phosphatase catalytic subunit 3; plus strand), LOC130060959 (ATAC-STARR-seq lymphoblastoid active region 12250; plus strand). Cytogenetic location: 17q21.31.
Variant type: single nucleotide variant.
Coding change: c.144C>G on transcript NM_138387.4 (MANE Select); coding-DNA position 144, C replaced by G.
Protein change: p.Tyr48Ter; replaces tyrosine 48 with a stop codon.
Molecular consequence: nonsense. On other transcripts: 5 prime UTR variant (3), intron variant (1).
Genome position (GRCh38, 1-based): chr17:44,071,109, C>G. VCF-style: chr17-44071109-C-G. GRCh37 (hg19) VCF-style: chr17-42148477-C-G.
Other names: c.144C>G, p.Tyr48Ter (NM_001319945.2); c.-261C>G (NM_001384165.1); c.-396C>G (NM_001384166.1); c.-386C>G (NM_001384167.1); c.-312+395C>G (NM_001384168.1); short protein forms Y48*.
Identifiers: ClinVar variation 632283 (VCV000632283.4), dbSNP rs1194477276, ClinGen allele CA399746115.
Genomic context (GRCh38, chr17:44,071,109, plus strand): 5'-GATCACCTTTCTGGGCGATCCCAAGATCCTCTTTCTGTTCTACTTCCCCGCGGCCTACTA[C>G]GCCTCCCGCCGTGTGGGCATCGCGGTGCTCTGGATCAGCCTCATCACCGAGTGGCTCAAC-3'

ClinVar aggregate classification (germline): Likely pathogenic (1 of 4 stars; one submission).

Conditions:
Autosomal recessive severe congenital neutropenia due to G6PC3 deficiency. Also called: NEUTROPENIA, SEVERE CONGENITAL, 4, AUTOSOMAL RECESSIVE; G6PC3 Deficiency. Identifiers: Orphanet 331176, MedGen C2751630, MONDO:0012930, OMIM 612541.

Submission:

Illumina Laboratory Services, Illumina
Classification: Likely pathogenic for Autosomal recessive severe congenital neutropenia due to G6PC3 deficiency. Last evaluated: 2017-07-28. Review status: criteria provided, single submitter. Criteria: ICSL Variant Classification Criteria 09 May 2019. Collection method: clinical testing. Allele origin: germline.
Comment: The G6PC3 c.144C>G (p.Tyr48Ter) variant is a stop-gained variant that is predicted to result in premature termination of the protein. This variant has not been reported in the literature. However, another variant at the same locus, c.144C>A, that results in the same amino acid change (p.Tyr48Ter) has been reported in two studies in a total of two individuals with severe congenital neutropenia, one each in a homozygous state and a compound heterozygous state (Boztug et al. 2009; Notarangelo et al. 2014). The c.144C>A variant was absent from 150 control individuals (Notarangelo et al. 2014). The p.Tyr48Ter variant, from either the c.144C>G or c.144C>A change, is not found in the 1000 Genomes Project, the Exome Sequencing Project, Exome Aggregation Consortium, or the Genome Aggregation Database. Based on the clinical evidence for the c.144C>A variant and the potential impact of stop-gained variants, the c.144C>G (p.Tyr48Ter) variant is classified as likely pathogenic for severe congenital neutropenia. This variant was observed by ICSL as part of a predisposition screen in an ostensibly healthy population.

Literature cited by the submitters: PubMed 25391451; PubMed 19118303.